The following is an entry in ClinVar:

NM_000465.4(BARD1):c.1305T>G (p.Ala435=)

Gene: BARD1 (BRCA1 associated RING domain 1; minus strand). Cytogenetic location: 2q35.
Variant type: single nucleotide variant.
Coding change: c.1305T>G on transcript NM_000465.4 (MANE Select); coding-DNA position 1305, T replaced by G.
Protein change: p.Ala435=; no amino-acid change (alanine 435 retained).
Molecular consequence: synonymous variant. On other transcripts: non-coding transcript variant (2), intron variant (3).
Genome position (GRCh38, 1-based): chr2:214,780,569, A>C on the plus strand (T>G on the coding strand, the complement: BARD1 is on the minus strand). VCF-style: chr2-214780569-A-C. GRCh37 (hg19) VCF-style: chr2-215645293-A-C.
Other names: c.1248T>G, p.Ala416= (NM_001282543.2); c.159-28014T>G (NM_001282548.2); c.215+16492T>G (NM_001282545.2); c.364+11728T>G (NM_001282549.2).
Identifiers: ClinVar variation 233506 (VCV000233506.16), dbSNP rs372679962, ClinGen allele CA10577812.

ClinVar aggregate classification (germline): Benign/Likely benign. Review status: criteria provided, multiple submitters, no conflicts (2 of 4 stars). 3 submissions from 3 submitters: Benign (1); Likely benign (2). Last evaluated 2025-12-14.

Conditions:
Familial cancer of breast. Also called: BREAST CANCER, FAMILIAL; hereditary breast carcinoma; Hereditary breast cancer. Identifiers: Orphanet 227535, MedGen C0346153, MONDO:0016419, OMIM 114480. Disease mechanism: loss of function.
Hereditary cancer-predisposing syndrome. Also called: Neoplastic Syndromes, Hereditary; Tumor predisposition; Hereditary Cancer Syndrome; Hereditary neoplastic syndrome. Identifiers: Orphanet 140162, MedGen C0027672, MeSH D009386, MONDO:0015356.

Allele frequency attached by ClinVar (database versions not stated): ESP Exome Variant Server 0.00008; gnomAD 0.00001; TOPMed 0.00001.
gnomAD v4.1: 1 of 1,613,510 alleles (0.000062%); highest among the groups gnomAD compares: African/African-American, 0.0013%; no homozygotes.

Submissions (3):

Labcorp Genetics (formerly Invitae), Labcorp
Classification: Likely benign for Familial cancer of breast. Last evaluated: 2025-12-14. Review status: criteria provided, single submitter. Criteria: Invitae Variant Classification Sherloc (09022015). Collection method: clinical testing. Allele origin: germline.

Myriad Genetics, Inc.
Classification: Benign for Familial cancer of breast. Last evaluated: 2024-07-24. Review status: criteria provided, single submitter. Criteria: Myriad Autosomal Dominant, Autosomal Recessive and X-Linked Classification Criteria (2023). Collection method: clinical testing. Allele origin: unknown.
Comment: This variant is considered benign. This variant is a silent/synonymous amino acid change and it is not expected to impact splicing.

Ambry Genetics
Classification: Likely benign for Hereditary cancer-predisposing syndrome. Last evaluated: 2015-08-25. Review status: criteria provided, single submitter. Criteria: Ambry Variant Classification Scheme 2023. Collection method: clinical testing. Allele origin: germline.